The following is an entry in ClinVar:

ClinVar aggregate classification (germline): Uncertain significance (1 of 4 stars; one submission).

Conditions:
Hypertrophic cardiomyopathy. Also called: HYPERTROPHIC MYOCARDIOPATHY. Identifiers: Orphanet 217569, MedGen C0007194, MeSH D002312, MONDO:0005045, HP:0001639.

Allele frequency attached by ClinVar (database versions not stated): gnomAD exomes below 0.00001; gnomAD 0.00001.
gnomAD v4.1: 2 of 1,613,958 alleles (0.00012%); highest among the groups gnomAD compares: East Asian, 0.0022%; no homozygotes.

Submission:

Labcorp Genetics (formerly Invitae), Labcorp
Classification: Uncertain significance for Hypertrophic cardiomyopathy. Last evaluated: 2024-05-04. Review status: criteria provided, single submitter. Criteria: Invitae Variant Classification Sherloc (09022015). Collection method: clinical testing. Allele origin: germline.
Comment: This sequence change replaces alanine, which is neutral and non-polar, with threonine, which is neutral and polar, at codon 1263 of the MYH7 protein (p.Ala1263Thr). This variant is present in population databases (no rsID available, gnomAD 0.06%). This variant has not been reported in the literature in individuals affected with MYH7-related conditions. ClinVar contains an entry for this variant (Variation ID: 1508632). Advanced modeling of protein sequence and biophysical properties (such as structural, functional, and spatial information, amino acid conservation, physicochemical variation, residue mobility, and thermodynamic stability) performed at Invitae indicates that this missense variant is not expected to disrupt MYH7 protein function with a negative predictive value of 95%. In summary, the available evidence is currently insufficient to determine the role of this variant in disease. Therefore, it has been classified as a Variant of Uncertain Significance.

NM_000257.4(MYH7):c.3787G>A (p.Ala1263Thr)

Gene: MYH7 (myosin heavy chain 7; minus strand). Cytogenetic location: 14q11.2.
Variant type: single nucleotide variant.
Coding change: c.3787G>A on transcript NM_000257.4 (MANE Select); coding-DNA position 3787, G replaced by A.
Protein change: p.Ala1263Thr; replaces alanine 1263 with threonine.
Molecular consequence: missense variant.
Genome position (GRCh38, 1-based): chr14:23,419,549, C>T on the plus strand (G>A on the coding strand, the complement: MYH7 is on the minus strand). VCF-style: chr14-23419549-C-T. GRCh37 (hg19) VCF-style: chr14-23888758-C-T.
Other names: short protein forms A1263T.
Identifiers: ClinVar variation 1508632 (VCV001508632.8), dbSNP rs1463884447, ClinGen allele CA389042623.